The following is an entry in ClinVar:

ClinVar aggregate classification (germline): Uncertain significance (1 of 4 stars; one submission).

Conditions:
Inborn genetic diseases. Identifiers: MedGen C0950123, MeSH D030342.

Submission:

Ambry Genetics
Classification: Uncertain significance for Inborn genetic diseases. Last evaluated: 2025-02-16. Review status: criteria provided, single submitter. Criteria: Ambry Variant Classification Scheme 2023. Collection method: clinical testing. Allele origin: germline.
Comment: The p.T297S variant (also known as c.889A>T), located in coding exon 9 of the CEP57 gene, results from an A to T substitution at nucleotide position 889. The threonine at codon 297 is replaced by serine, an amino acid with similar properties. This amino acid position is conserved. In addition, this alteration is predicted to be tolerated by in silico analysis. Based on the available evidence, the clinical significance of this variant remains unclear.

NM_014679.5(CEP57):c.889A>T (p.Thr297Ser)

Gene: CEP57 (centrosomal protein 57; plus strand). Cytogenetic location: 11q21.
Variant type: single nucleotide variant.
Coding change: c.889A>T on transcript NM_014679.5 (MANE Select); coding-DNA position 889, A replaced by T.
Protein change: p.Thr297Ser; replaces threonine 297 with serine.
Molecular consequence: missense variant.
Genome position (GRCh38, 1-based): chr11:95,827,789, A>T. VCF-style: chr11-95827789-A-T. GRCh37 (hg19) VCF-style: chr11-95560953-A-T.
Other names: c.862A>T, p.Thr288Ser (NM_001243776.2); c.811A>T, p.Thr271Ser (NM_001243777.2); c.808A>T, p.Thr270Ser (NM_001363604.2); short protein forms T270S, T288S, T271S, T297S.
Identifiers: ClinVar variation 3831999 (VCV003831999.1).